The following is an entry in ClinVar:

NM_000878.5(IL2RB):c.1351G>A (p.Gly451Ser)

Gene: IL2RB (interleukin 2 receptor subunit beta; minus strand). Cytogenetic location: 22q12.3.
Variant type: single nucleotide variant.
Coding change: c.1351G>A on transcript NM_000878.5 (MANE Select); coding-DNA position 1351, G replaced by A.
Protein change: p.Gly451Ser; replaces glycine 451 with serine.
Molecular consequence: missense variant.
Genome position (GRCh38, 1-based): chr22:37,128,401, C>T on the plus strand (G>A on the coding strand, the complement: IL2RB is on the minus strand). VCF-style: chr22-37128401-C-T. GRCh37 (hg19) VCF-style: chr22-37524441-C-T.
Other names: c.1351G>A, p.Gly451Ser (NM_001346222.1, NM_001346223.2); short protein forms G451S.
Identifiers: ClinVar variation 1354269 (VCV001354269.6), dbSNP rs1294062534, ClinGen allele CA411424427.

ClinVar aggregate classification (germline): Uncertain significance (1 of 4 stars; one submission).

Allele frequency attached by ClinVar (database versions not stated): gnomAD 0.00001; gnomAD exomes 0.00001; TOPMed 0.00001.
gnomAD v4.1: 19 of 1,513,078 alleles (0.0013%); highest among the groups gnomAD compares: Middle Eastern, 0.036%; no homozygotes.

Submission:

Labcorp Genetics (formerly Invitae), Labcorp
Classification: Uncertain significance. Last evaluated: 2025-05-02. Review status: criteria provided, single submitter. Criteria: Invitae Variant Classification Sherloc (09022015). Collection method: clinical testing. Allele origin: germline.
Comment: This sequence change replaces glycine, which is neutral and non-polar, with serine, which is neutral and polar, at codon 451 of the IL2RB protein (p.Gly451Ser). This variant is present in population databases (no rsID available, gnomAD 0.001%). This variant has not been reported in the literature in individuals affected with IL2RB-related conditions. ClinVar contains an entry for this variant (Variation ID: 1354269). An algorithm developed to predict the effect of missense changes on protein structure and function outputs the following: PolyPhen-2: "Benign". The serine amino acid residue is found in multiple mammalian species, which suggests that this missense change does not adversely affect protein function. In summary, the available evidence is currently insufficient to determine the role of this variant in disease. Therefore, it has been classified as a Variant of Uncertain Significance.